The following is an entry in ClinVar:

NM_139058.3(ARX):c.1629G>A (p.Ala543=)

Gene: ARX (aristaless related homeobox; minus strand). Cytogenetic location: Xp21.3.
Variant type: single nucleotide variant.
Coding change: c.1629G>A on transcript NM_139058.3 (MANE Select); coding-DNA position 1629, G replaced by A.
Protein change: p.Ala543=; no amino-acid change (alanine 543 retained).
Molecular consequence: synonymous variant.
Genome position (GRCh38, 1-based): chrX:25,004,730, C>T on the plus strand (G>A on the coding strand, the complement: ARX is on the minus strand). VCF-style: chrX-25004730-C-T. GRCh37 (hg19) VCF-style: chrX-25022847-C-T.
Identifiers: ClinVar variation 2660199 (VCV002660199.28), dbSNP rs747952341, ClinGen allele CA10373765.
Genomic context (GRCh38, chrX:25,004,730, plus strand): 5'-TTAGCACACCTCCTTGCCCGTGCTGGTGCCCGGCAGGATGTTGAGCTGCGTGAGCTGCGC[C>T]GCGTGCTCCTTGGCCTTGAGCCTCAGCGCGGCTATGCTAGAGGCGCGTCTGTCTGCGGCC-3'
Protein context (NP_620689.1, residues 533-553): AALRLKAKEH[Ala543=]AQLTQLNILP

ClinVar aggregate classification (germline): Likely benign. Review status: criteria provided, multiple submitters, no conflicts (2 of 4 stars). 3 submissions from 3 submitters: Likely benign (3). Last evaluated 2023-09-21.

Conditions:
Intellectual disability, X-linked, with or without seizures, ARX-related. Also called: INTELLECTUAL DEVELOPMENTAL DISORDER, X-LINKED 29; MENTAL RETARDATION, X-LINKED 29; MENTAL RETARDATION, X-LINKED 32; MENTAL RETARDATION, X-LINKED 33; MENTAL RETARDATION, X-LINKED 38; MENTAL RETARDATION, X-LINKED 43. Identifiers: Orphanet 777, MedGen C0796244, MONDO:0010317, OMIM 300419.
Developmental and epileptic encephalopathy, 1 (DEE1). Also called: X-linked infantile spasms; West's syndrome; Tonic spasms with clustering, arrest of psychomotor development and hypsarrhythmia on EEG; X-Linked Infantile Spasm Syndrome; OHTAHARA SYNDROME, X-LINKED; INFANTILE SPASM SYNDROME, X-LINKED 1. Identifiers: MedGen C3463992, MONDO:0010632, OMIM 308350. Disease mechanism: loss of function.

Allele frequency attached by ClinVar (database versions not stated): gnomAD exomes 0.00001; TOPMed 0.00001.
gnomAD v4.1: 2 of 1,166,007 alleles (0.00017%); highest among the groups gnomAD compares: East Asian, 0.0032%; no homozygotes.

Submissions (3):

Blueprint Genetics
Classification: Likely benign. Last evaluated: 2023-09-21. Review status: criteria provided, single submitter. Criteria: ACMG Guidelines, 2015. Collection method: clinical testing. Allele origin: germline.

Labcorp Genetics (formerly Invitae), Labcorp
Classification: Likely benign for Developmental and epileptic encephalopathy, 1; Intellectual disability, X-linked, with or without seizures, ARX-related. Last evaluated: 2023-06-20. Review status: criteria provided, single submitter. Criteria: Invitae Variant Classification Sherloc (09022015). Collection method: clinical testing. Allele origin: germline.

CeGaT Center for Human Genetics Tuebingen
Classification: Likely benign. Last evaluated: 2022-03-01. Review status: criteria provided, single submitter. Criteria: CeGaT Center For Human Genetics Tuebingen Variant Classification Criteria Version 2. Collection method: clinical testing. Allele origin: germline. Affected: yes. Observed: 1 variant allele.
Comment: ARX: BP4, BP7